The following is an entry in ClinVar:

ClinVar aggregate classification (germline): Uncertain significance. Review status: criteria provided, multiple submitters, no conflicts (2 of 4 stars). 2 submissions from 2 submitters: Uncertain significance (2). Last evaluated 2025-07-21.

Conditions:
Connective tissue disorder. Also called: Connective tissue disease. Identifiers: MedGen C0009782, MONDO:0003900.

Allele frequency attached by ClinVar (database versions not stated): gnomAD exomes below 0.00001.

Submissions (2):

Labcorp Genetics (formerly Invitae), Labcorp
Classification: Uncertain significance. Last evaluated: 2025-07-21. Review status: criteria provided, single submitter. Criteria: Invitae Variant Classification Sherloc (09022015). Collection method: clinical testing. Allele origin: germline.
Comment: This sequence change replaces glycine, which is neutral and non-polar, with valine, which is neutral and non-polar, at codon 277 of the PTH1R protein (p.Gly277Val). This variant is not present in population databases (gnomAD no frequency). This variant has not been reported in the literature in individuals affected with PTH1R-related conditions. ClinVar contains an entry for this variant (Variation ID: 1702476). Invitae Evidence Modeling of protein sequence and biophysical properties (such as structural, functional, and spatial information, amino acid conservation, physicochemical variation, residue mobility, and thermodynamic stability) indicates that this missense variant is not expected to disrupt PTH1R protein function with a negative predictive value of 80%. In summary, the available evidence is currently insufficient to determine the role of this variant in disease. Therefore, it has been classified as a Variant of Uncertain Significance.

Genome Diagnostics Laboratory, The Hospital for Sick Children
Classification: Uncertain significance for Connective tissue disorder. Last evaluated: 2020-01-01. Review status: criteria provided, single submitter. Criteria: ACMG Guidelines, 2015. Collection method: clinical testing. Allele origin: germline.

NM_000316.3(PTH1R):c.830G>T (p.Gly277Val)

Gene: PTH1R (parathyroid hormone 1 receptor; plus strand). Cytogenetic location: 3p21.31.
Variant type: single nucleotide variant.
Coding change: c.830G>T on transcript NM_000316.3 (MANE Select); coding-DNA position 830, G replaced by T.
Protein change: p.Gly277Val; replaces glycine 277 with valine.
Molecular consequence: missense variant.
Genome position (GRCh38, 1-based): chr3:46,898,853, G>T. VCF-style: chr3-46898853-G-T. GRCh37 (hg19) VCF-style: chr3-46940343-G-T.
Other names: c.830G>T, p.Gly277Val (NM_001184744.1); short protein forms G277V.
Identifiers: ClinVar variation 1702476 (VCV001702476.4), dbSNP rs757961321, ClinGen allele CA2359323.